The following is an entry in ClinVar:

ClinVar aggregate classification (germline): Likely benign. Review status: criteria provided, single submitter (1 of 4 stars). 2 submissions from 2 submitters: Likely benign (1). 1 of the submissions does not count toward it. Last evaluated 2025-10-01.

Conditions:
CELSR1-related disorder. Also called: CELSR1-related condition.

Allele frequency attached by ClinVar (database versions not stated): ESP Exome Variant Server 0.00346; 1000 Genomes Project 30x 0.00375; TOPMed 0.00415; gnomAD 0.00429; 1000 Genomes Project 0.00439; gnomAD exomes 0.00550.
gnomAD v4.1: 8,594 of 1,587,144 alleles (0.54%); highest among the groups gnomAD compares: Middle Eastern, 3.2%; 51 homozygotes.

Submissions (5):

CeGaT Center for Human Genetics Tuebingen
Classification: Likely benign. Last evaluated: 2025-10-01. Review status: criteria provided, single submitter. Criteria: CeGaT Center For Human Genetics Tuebingen Variant Classification Criteria Version 2. Collection method: clinical testing. Allele origin: germline. Affected: yes. Observed: 11 variant alleles.
Comment: CELSR1: BP4, BS2

PreventionGenetics, part of Exact Sciences
Classification: Benign for CELSR1-related condition. Last evaluated: 2019-05-16. Review status: no assertion criteria provided. Collection method: clinical testing. Allele origin: germline. Not counted in ClinVar's aggregate classification.
Comment: This variant is classified as benign based on ACMG/AMP sequence variant interpretation guidelines (Richards et al. 2015 PMID: 25741868, with internal and published modifications).

Dr. Peter K. Rogan Lab, Western University
No classification provided (evidence only). Condition: Malignant tumor of urinary bladder. Review status: no classification provided. Collection method: in vitro. Allele origin: not applicable. Functional consequence: retained intron. Not counted in ClinVar's aggregate classification.

Dr. Peter K. Rogan Lab, Western University
No classification provided (evidence only). Condition: Thyroid cancer, nonmedullary, 1. Review status: no classification provided. Collection method: in vitro. Allele origin: not applicable. Functional consequence: retained intron. Not counted in ClinVar's aggregate classification.

Dr. Peter K. Rogan Lab, Western University
No classification provided (evidence only). Condition: Thyroid cancer, nonmedullary, 1. Review status: no classification provided. Collection method: in vitro. Allele origin: not applicable. Functional consequence: retained intron. Not counted in ClinVar's aggregate classification.

NM_001378328.1(CELSR1):c.5651A>G (p.Asn1884Ser)

Gene: CELSR1 (cadherin EGF LAG seven-pass G-type receptor 1; minus strand). Cytogenetic location: 22q13.31.
Variant type: single nucleotide variant.
Coding change: c.5651A>G on transcript NM_001378328.1 (MANE Select); coding-DNA position 5651, A replaced by G.
Protein change: p.Asn1884Ser; replaces asparagine 1884 with serine.
Molecular consequence: missense variant.
Genome position (GRCh38, 1-based): chr22:46,397,724, T>C on the plus strand (A>G on the coding strand, the complement: CELSR1 is on the minus strand). VCF-style: chr22-46397724-T-C. GRCh37 (hg19) VCF-style: chr22-46793621-T-C.
Other names: NC_000022.10:g.46793621T>C; c.5651A>G, p.Asn1884Ser (NM_014246.4); c.5651A>G (NM_014246.1); short protein forms N1884S.
Identifiers: ClinVar variation 2571164 (VCV002571164.29), dbSNP rs144122307, ClinGen allele CA10294147.